The following is an entry in ClinVar:

NM_000081.4(LYST):c.1725G>A (p.Ser575=)

Gene: LYST (lysosomal trafficking regulator; minus strand). Cytogenetic location: 1q42.3.
Variant type: single nucleotide variant.
Coding change: c.1725G>A on transcript NM_000081.4 (MANE Select); coding-DNA position 1725, G replaced by A.
Protein change: p.Ser575=; no amino-acid change (serine 575 retained).
Molecular consequence: synonymous variant.
Genome position (GRCh38, 1-based): chr1:235,809,093, C>T on the plus strand (G>A on the coding strand, the complement: LYST is on the minus strand). VCF-style: chr1-235809093-C-T. GRCh37 (hg19) VCF-style: chr1-235972393-C-T.
Other names: c.1725G>A, p.Ser575= (NM_001301365.1).
Identifiers: ClinVar variation 296427 (VCV000296427.11), dbSNP rs144919024, ClinGen allele CA1467413.

ClinVar aggregate classification (germline): Conflicting classifications of pathogenicity. Review status: criteria provided, conflicting classifications (1 of 4 stars). 3 submissions from 3 submitters: Uncertain significance (1); Likely benign (2). Last evaluated 2026-07-01.

Conditions:
Chédiak-Higashi syndrome (CHS). Also called: Chediak-Higashi Syndrome. Identifiers: Orphanet 167, MedGen C0007965, MONDO:0008963, OMIM 214500.

Allele frequency attached by ClinVar (database versions not stated): TOPMed 0.00001; ExAC 0.00002; gnomAD exomes 0.00002; gnomAD 0.00004; ESP Exome Variant Server 0.00008; 1000 Genomes Project 30x 0.00031; 1000 Genomes Project 0.00040.
gnomAD v4.1: 32 of 1,614,098 alleles (0.002%); highest among the groups gnomAD compares: African/African-American, 0.0053%; no homozygotes.

Submissions (3):

CeGaT Center for Human Genetics Tuebingen
Classification: Likely benign. Last evaluated: 2026-07-01. Review status: criteria provided, single submitter. Criteria: CeGaT Center For Human Genetics Tuebingen Variant Classification Criteria Version 2. Collection method: clinical testing. Allele origin: germline. Affected: yes. Observed: 1 variant allele.
Comment: LYST: BP4, BP7

Labcorp Genetics (formerly Invitae), Labcorp
Classification: Likely benign for Chédiak-Higashi syndrome. Last evaluated: 2025-09-19. Review status: criteria provided, single submitter. Criteria: Invitae Variant Classification Sherloc (09022015). Collection method: clinical testing. Allele origin: germline.

Illumina Laboratory Services, Illumina
Classification: Uncertain significance for Chédiak-Higashi syndrome. Last evaluated: 2018-01-13. Review status: criteria provided, single submitter. Criteria: ICSL Variant Classification Criteria 13 December 2019. Collection method: clinical testing. Allele origin: germline.